The following is an entry in ClinVar:

NM_004612.4(TGFBR1):c.605C>G (p.Ala202Gly)

Gene: TGFBR1 (transforming growth factor beta receptor 1; plus strand). Cytogenetic location: 9q22.33.
Variant type: single nucleotide variant.
Coding change: c.605C>G on transcript NM_004612.4 (MANE Select); coding-DNA position 605, C replaced by G.
Protein change: p.Ala202Gly; replaces alanine 202 with glycine.
Molecular consequence: missense variant. On other transcripts: non-coding transcript variant (4), intron variant (2).
Genome position (GRCh38, 1-based): chr9:99,137,889, C>G. VCF-style: chr9-99137889-C-G. GRCh37 (hg19) VCF-style: chr9-101900171-C-G.
Other names: c.374C>G, p.Ala125Gly (NM_001130916.3); c.617C>G, p.Ala206Gly (NM_001306210.2, NM_001407416.1); c.605C>G, p.Ala202Gly (NM_001407417.1); c.410C>G, p.Ala137Gly (NM_001407418.1, NM_001407419.1, NM_001407420.1 and 1 more transcripts); c.398C>G, p.Ala133Gly (NM_001407423.1, NM_001407424.1, NM_001407425.1 and 8 more transcripts); c.359C>G, p.Ala120Gly (NM_001407436.1); c.128C>G, p.Ala43Gly (NM_001407438.1); c.575-4647C>G (NM_001407435.1); and 1 more; short protein forms A120G, A125G, A43G, A202G, A206G, A133G, A137G.
Identifiers: ClinVar variation 3676921 (VCV003676921.2).

ClinVar aggregate classification (germline): Uncertain significance (1 of 4 stars; one submission).

Conditions:
Familial thoracic aortic aneurysm and aortic dissection (TAAD). Also called: Thoracic aortic aneurysms and dissections. Identifiers: Orphanet 91387, MedGen C4707243, MONDO:0019625.

gnomAD v4.1: 2 of 1,613,790 alleles (0.00012%); highest among the groups gnomAD compares: Admixed American, 0.0017%; no homozygotes.

Submission:

Labcorp Genetics (formerly Invitae), Labcorp
Classification: Uncertain significance for Familial thoracic aortic aneurysm and aortic dissection. Last evaluated: 2025-07-01. Review status: criteria provided, single submitter. Criteria: Invitae Variant Classification Sherloc (09022015). Collection method: clinical testing. Allele origin: germline.
Comment: This sequence change replaces alanine, which is neutral and non-polar, with glycine, which is neutral and non-polar, at codon 202 of the TGFBR1 protein (p.Ala202Gly). This variant is not present in population databases (gnomAD no frequency). This variant has not been reported in the literature in individuals affected with TGFBR1-related conditions. ClinVar contains an entry for this variant (Variation ID: 3676921). Invitae Evidence Modeling of protein sequence and biophysical properties (such as structural, functional, and spatial information, amino acid conservation, physicochemical variation, residue mobility, and thermodynamic stability) indicates that this missense variant is not expected to disrupt TGFBR1 protein function with a negative predictive value of 80%. This variant disrupts the p.Ala202 amino acid residue in TGFBR1. Other variant(s) that disrupt this residue have been determined to be pathogenic (PMID: 26848186, 27146836). This suggests that this residue is clinically significant, and that variants that disrupt this residue are likely to be disease-causing. In summary, the available evidence is currently insufficient to determine the role of this variant in disease. Therefore, it has been classified as a Variant of Uncertain Significance.

Literature cited by the submitters: PubMed 26848186; PubMed 27146836.